The following is an entry in ClinVar:

NM_017547.4(FOXRED1):c.332C>G (p.Ser111Ter)

Gene: FOXRED1 (FAD dependent oxidoreductase domain containing 1; plus strand). Cytogenetic location: 11q24.2.
Variant type: single nucleotide variant.
Coding change: c.332C>G on transcript NM_017547.4 (MANE Select); coding-DNA position 332, C replaced by G.
Protein change: p.Ser111Ter; replaces serine 111 with a stop codon.
Molecular consequence: nonsense. On other transcripts: non-coding transcript variant (2).
Genome position (GRCh38, 1-based): chr11:126,272,994, C>G. VCF-style: chr11-126272994-C-G. GRCh37 (hg19) VCF-style: chr11-126142889-C-G.
Other names: c.332C>G, p.Ser111Ter (NM_001425160.1, NM_001425161.1, NM_001425163.1 and 4 more transcripts); c.-179C>G (NM_001425168.1, NM_001425170.1); c.-199C>G (NM_001425169.1); c.-226C>G (NM_001425171.1, NM_001425172.1); c.-207C>G (NM_001425173.1, NM_001425174.1, NM_001425175.1); short protein forms S111*.
Identifiers: ClinVar variation 2768339 (VCV002768339.3), dbSNP rs951249107, ClinGen allele CA383229391.

ClinVar aggregate classification (germline): Pathogenic (1 of 4 stars; one submission).

Submission:

Labcorp Genetics (formerly Invitae), Labcorp
Classification: Pathogenic. Last evaluated: 2023-10-14. Review status: criteria provided, single submitter. Criteria: Invitae Variant Classification Sherloc (09022015). Collection method: clinical testing. Allele origin: germline.
Comment: This sequence change creates a premature translational stop signal (p.Ser111*) in the FOXRED1 gene. It is expected to result in an absent or disrupted protein product. Loss-of-function variants in FOXRED1 are known to be pathogenic (PMID: 20818383, 20858599). This variant is not present in population databases (gnomAD no frequency). This variant has not been reported in the literature in individuals affected with FOXRED1-related conditions. For these reasons, this variant has been classified as Pathogenic.

Literature cited by the submitters: PubMed 20818383; PubMed 20858599.